The following is an entry in ClinVar:

ClinVar aggregate classification (germline): Uncertain significance (1 of 4 stars; one submission).

Conditions:
Cardiovascular phenotype. Identifiers: MedGen CN230736.

Submission:

Ambry Genetics
Classification: Uncertain significance for Cardiovascular phenotype. Last evaluated: 2026-07-07. Review status: criteria provided, single submitter. Criteria: Ambry Variant Classification Scheme 2023. Collection method: clinical testing. Allele origin: germline.
Comment: The p.I2775V variant (also known as c.8323A>G), located in coding exon 56 of the RYR2 gene, results from an A to G substitution at nucleotide position 8323. The isoleucine at codon 2775 is replaced by valine, an amino acid with highly similar properties. This amino acid position is conserved. In addition, this alteration is predicted to be tolerated by in silico analysis. Based on the available evidence, the clinical significance of this variant remains unclear.

NM_001035.3(RYR2):c.8323A>G (p.Ile2775Val)

Gene: RYR2 (ryanodine receptor 2; plus strand). Cytogenetic location: 1q43.
Variant type: single nucleotide variant.
Coding change: c.8323A>G on transcript NM_001035.3 (MANE Select); coding-DNA position 8323, A replaced by G.
Protein change: p.Ile2775Val; replaces isoleucine 2775 with valine.
Molecular consequence: missense variant.
Genome position (GRCh38, 1-based): chr1:237,660,834, A>G. VCF-style: chr1-237660834-A-G. GRCh37 (hg19) VCF-style: chr1-237824134-A-G.
Other names: short protein forms I2775V.
Identifiers: ClinVar variation 5028679 (VCV005028679.1).
Genomic context (GRCh38, chr1:237,660,834, plus strand): 5'-TAATATATCTGTTGTTTCTTGTTTTTTCTTCTCTAGGAAAAAGAAATTTATCGCTGGCCA[A>G]TCAAAGAATCTTTAAAAACTATGCTGGCTTGGGGCTGGAGAATTGAAAGAACTCGGGAGG-3'
Protein context (NP_001026.2, residues 2765-2785): EKEKEIYRWP[Ile2775Val]KESLKTMLAW